The following is an entry in ClinVar:

ClinVar aggregate classification (germline): Likely benign (1 of 4 stars; one submission).

Allele frequency attached by ClinVar (database versions not stated): gnomAD 0.03036 and 0.03529; TOPMed 0.03229; 1000 Genomes Project 30x 0.06715; 1000 Genomes Project 0.06889.
gnomAD v4.1: 5,385 of 152,280 alleles (3.5%); highest among the groups gnomAD compares: South Asian, 14%; 197 homozygotes.

Submission:

GeneDx
Classification: Likely benign. Last evaluated: 2018-06-19. Review status: criteria provided, single submitter. Criteria: GeneDx Variant Classification (06012015). Collection method: clinical testing. Allele origin: germline. Affected: yes.
Comment: This variant is considered likely benign or benign based on one or more of the following criteria: it is a conservative change, it occurs at a poorly conserved position in the protein, it is predicted to be benign by multiple in silico algorithms, and/or has population frequency not consistent with disease.

NM_005198.5(CHKB):c.581+234G>A

Genes: CHKB (choline kinase beta; minus strand), CHKB-CPT1B (CHKB-CPT1B readthrough (NMD candidate); minus strand). Cytogenetic location: 22q13.33.
Variant type: single nucleotide variant.
Coding change: c.581+234G>A on transcript NM_005198.5 (MANE Select); 234 bases into the intron after coding-DNA position 581, G replaced by A.
Molecular consequence: intron variant.
Genome position (GRCh38, 1-based): chr22:50,581,186, C>T on the plus strand (G>A on the coding strand, the complement: CHKB is on the minus strand). VCF-style: chr22-50581186-C-T. GRCh37 (hg19) VCF-style: chr22-51019615-C-T.
Identifiers: ClinVar variation 670480 (VCV000670480.1), dbSNP rs62239538, ClinGen allele CA325537995.
Genomic context (GRCh38, chr22:50,581,186, plus strand): 5'-AGAGTCTTGCTCTCACCCAGGCTGAAGTGCAATGGCATGAGCTCAGCTCACTGCAACCTC[C>T]GCCTCCTGGGCTCAAGTGATCCTCCCACCTCACCCACCTCGGCTCCCAAAGTTCTGGGAT-3'